The following is an entry in ClinVar:

ClinVar aggregate classification (germline): Likely benign. Review status: criteria provided, single submitter (1 of 4 stars). 2 submissions from 2 submitters: Likely benign (1). 1 of the submissions does not count toward it. Last evaluated 2025-11-16.

Conditions:
Hereditary hemorrhagic telangiectasia (HHT). Also called: ORW DISEASE; Osler Weber Rendu syndrome; OSLER-RENDU-WEBER DISEASE; Osler hemorrhagic telangiectasia syndrome. Identifiers: Orphanet 774, MedGen C0039445, MONDO:0019180. Disease mechanism: loss of function.
ENG-related disorder. Also called: ENG-related condition; ENG-related disorders.

Allele frequency attached by ClinVar (database versions not stated): gnomAD 0.00003; TOPMed 0.00001.
gnomAD v4.1: 32 of 1,602,802 alleles (0.002%); highest among the groups gnomAD compares: Middle Eastern, 0.017%; no homozygotes.

Submissions (2):

Labcorp Genetics (formerly Invitae), Labcorp
Classification: Likely benign for Hereditary hemorrhagic telangiectasia. Last evaluated: 2025-11-16. Review status: criteria provided, single submitter. Criteria: Invitae Variant Classification Sherloc (09022015). Collection method: clinical testing. Allele origin: germline.

PreventionGenetics, part of Exact Sciences
Classification: Likely benign for ENG-related condition. Last evaluated: 2024-04-05. Review status: no assertion criteria provided. Collection method: clinical testing. Allele origin: germline. Not counted in ClinVar's aggregate classification.
Comment: This variant is classified as likely benign based on ACMG/AMP sequence variant interpretation guidelines (Richards et al. 2015 PMID: 25741868, with internal and published modifications).

NM_001114753.3(ENG):c.1020G>A (p.Pro340=)

Gene: ENG (endoglin; minus strand). Cytogenetic location: 9q34.11.
Variant type: single nucleotide variant.
Coding change: c.1020G>A on transcript NM_001114753.3 (MANE Select); coding-DNA position 1020, G replaced by A.
Protein change: p.Pro340=; no amino-acid change (proline 340 retained).
Molecular consequence: synonymous variant.
Genome position (GRCh38, 1-based): chr9:127,824,418, C>T on the plus strand (G>A on the coding strand, the complement: ENG is on the minus strand). VCF-style: chr9-127824418-C-T. GRCh37 (hg19) VCF-style: chr9-130586697-C-T.
Other names: c.1020G>A, p.Pro340= (NM_000118.4, NM_001406715.1); c.474G>A, p.Pro158= (NM_001278138.2).
Identifiers: ClinVar variation 414308 (VCV000414308.13), dbSNP rs773748110, ClinGen allele CA16612701.